The following is an entry in ClinVar:

ClinVar aggregate classification (germline): Likely pathogenic. Review status: criteria provided, multiple submitters, no conflicts (2 of 4 stars). 3 submissions from 3 submitters: Likely pathogenic (2). 1 of the submissions does not count toward it. Last evaluated 2023-06-29.

Conditions:
Ornithine aminotransferase deficiency (GACR). Also called: OKT DEFICIENCY; Ornithine ketoacid aminotransferase deficiency; Gyrate atrophy; Gyrate atrophy of choroid and retina; Girate atrophy of the retina; HYPERORNITHINEMIA WITH GYRATE ATROPHY OF CHOROID AND RETINA. Identifiers: Orphanet 414, MedGen C0018425, MONDO:0009796, OMIM 258870.
Retinal dystrophy. Also called: Inherited retinal dystrophy. Identifiers: Orphanet 71862, MedGen C0854723, MeSH D058499, MONDO:0019118, HP:0000556.

Submissions (3):

Labcorp Genetics (formerly Invitae), Labcorp
Classification: Likely pathogenic for Ornithine aminotransferase deficiency. Last evaluated: 2023-06-29. Review status: criteria provided, single submitter. Criteria: Invitae Variant Classification Sherloc (09022015). Collection method: clinical testing. Allele origin: germline.
Comment: This variant has not been reported in the literature in individuals affected with OAT-related conditions. ClinVar contains an entry for this variant (Variation ID: 866435). Algorithms developed to predict the effect of sequence changes on RNA splicing suggest that this variant may disrupt the consensus splice site. In summary, the currently available evidence indicates that the variant is pathogenic, but additional data are needed to prove that conclusively. Therefore, this variant has been classified as Likely Pathogenic. This variant is not present in population databases (gnomAD no frequency). This sequence change affects a donor splice site in intron 8 of the OAT gene. It is expected to disrupt RNA splicing. Variants that disrupt the donor or acceptor splice site typically lead to a loss of protein function (PMID: 16199547), and loss-of-function variants in OAT are known to be pathogenic (PMID: 1737786, 23076989).

Baylor Genetics
Classification: Likely pathogenic for Ornithine aminotransferase deficiency. Last evaluated: 2023-06-05. Review status: criteria provided, single submitter. Criteria: ACMG Guidelines, 2015. Collection method: clinical testing. Allele origin: unknown.

Institute of Human Genetics, Univ. Regensburg, Univ. Regensburg
Classification: Pathogenic for Retinal dystrophy. Last evaluated: 2013-01-01. Review status: no assertion criteria provided. Criteria: ACMG Guidelines, 2015. Collection method: clinical testing. Allele origin: germline. Affected: yes. Not counted in ClinVar's aggregate classification.

Literature cited by the submitters: PubMed 16199547 (cited by Labcorp Genetics (formerly Invitae), Labcorp); PubMed 1737786 (cited by Labcorp Genetics (formerly Invitae), Labcorp); PubMed 23076989 (cited by Labcorp Genetics (formerly Invitae), Labcorp).

NM_000274.4(OAT):c.1014+1G>A

Gene: OAT (ornithine aminotransferase; minus strand). Cytogenetic location: 10q26.13.
Variant type: single nucleotide variant.
Coding change: c.1014+1G>A on transcript NM_000274.4 (MANE Select); the canonical splice donor site of the intron after coding-DNA position 1014, G replaced by A.
Molecular consequence: splice donor variant.
Genome position (GRCh38, 1-based): chr10:124,401,725, C>T on the plus strand (G>A on the coding strand, the complement: OAT is on the minus strand). VCF-style: chr10-124401725-C-T. GRCh37 (hg19) VCF-style: chr10-126090294-C-T.
Other names: c.1014+1G>A (NM_001322965.2, NM_001322969.2, NM_001322966.2 and 3 more transcripts); c.600+1G>A (NM_001171814.2); c.414+1G>A (NM_001322974.2); c.693+1G>A (NM_001322971.2).
Identifiers: ClinVar variation 866435 (VCV000866435.9), dbSNP rs1951414426, ClinGen allele CA378633838.